The following is an entry in ClinVar:

NM_000077.5(CDKN2A):c.112C>G (p.Pro38Ala)

Gene: CDKN2A (cyclin dependent kinase inhibitor 2A; minus strand). Cytogenetic location: 9p21.3.
Variant type: single nucleotide variant.
Coding change: c.112C>G on transcript NM_000077.5; coding-DNA position 112, C replaced by G.
Protein change: p.Pro38Ala; replaces proline 38 with alanine.
Molecular consequence: missense variant (on NM_000077.6). On other transcripts: intron variant (2).
Genome position (GRCh38, 1-based): chr9:21,974,716, G>C on the plus strand (C>G on the coding strand, the complement: CDKN2A is on the minus strand). VCF-style: chr9-21974716-G-C. GRCh37 (hg19) VCF-style: chr9-21974715-G-C.
Other names: c.112C>G, p.Pro38Ala (NM_000077.6, NM_001195132.2, NM_058197.5); c.-3-3508C>G (NM_001363763.2); c.194-3508C>G (NM_058195.4); short protein forms P38A.
Identifiers: ClinVar variation 3265583 (VCV003265583.2).
Genomic context (GRCh38, chr9:21,974,716, plus strand): 5'-CCGCTGCAGACCCTCTACCCACCTGGATCGGCCTCCGACCGTAACTATTCGGTGCGTTGG[G>C]CAGCGCCCCCGCCTCCAGCAGCGCCCGCACCTCCTCTACCCGACCCCGGGCCGCGGCCGT-3'
Protein context (NP_000068.1, residues 28-48): VRALLEAGAL[Pro38Ala]NAPNSYGRRP

ClinVar aggregate classification (germline): Uncertain significance. Review status: criteria provided, multiple submitters, no conflicts (2 of 4 stars). 2 submissions from 2 submitters: Uncertain significance (2). Last evaluated 2025-07-23.

Conditions:
Familial melanoma. Also called: Hereditary melanoma; Hereditary cutaneous melanoma. Identifiers: Orphanet 618, MedGen C1512419, MONDO:0018961.
Hereditary cancer-predisposing syndrome. Also called: Tumor predisposition; Hereditary Cancer Syndrome; Hereditary neoplastic syndrome; Neoplastic Syndromes, Hereditary. Identifiers: Orphanet 140162, MedGen C0027672, MeSH D009386, MONDO:0015356.

Submissions (2):

Labcorp Genetics (formerly Invitae), Labcorp
Classification: Uncertain significance for Familial melanoma. Last evaluated: 2025-07-23. Review status: criteria provided, single submitter. Criteria: Invitae Variant Classification Sherloc (09022015). Collection method: clinical testing. Allele origin: germline.
Comment: This sequence change replaces proline, which is neutral and non-polar, with alanine, which is neutral and non-polar, at codon 38 of the CDKN2A (p16INK4a) protein (p.Pro38Ala). This variant is not present in population databases (gnomAD no frequency). This variant has not been reported in the literature in individuals affected with CDKN2A (p16INK4a)-related conditions. ClinVar contains an entry for this variant (Variation ID: 3265583). An algorithm developed to predict the effect of missense changes on protein structure and function outputs the following: PolyPhen-2: "Benign". The alanine amino acid residue is found in multiple mammalian species, which suggests that this missense change does not adversely affect protein function. In summary, the available evidence is currently insufficient to determine the role of this variant in disease. Therefore, it has been classified as a Variant of Uncertain Significance.

Ambry Genetics
Classification: Uncertain significance for Hereditary cancer-predisposing syndrome. Last evaluated: 2024-06-18. Review status: criteria provided, single submitter. Criteria: Ambry Variant Classification Scheme 2023. Collection method: clinical testing. Allele origin: germline.
Comment: The p.P38A variant (also known as c.112C>G), located in coding exon 1 of the CDKN2A gene, results from a C to G substitution at nucleotide position 112. The proline at codon 38 is replaced by alanine, an amino acid with highly similar properties. This amino acid position is not well conserved in available vertebrate species. In addition, this alteration is predicted to be tolerated by in silico analysis. Based on the available evidence, the clinical significance of this variant remains unclear.